The following is an entry in ClinVar:

NM_005188.4(CBL):c.*3656C>T

Gene: CBL (Cbl proto-oncogene; plus strand). Cytogenetic location: 11q23.3.
Variant type: single nucleotide variant.
Coding change: c.*3656C>T on transcript NM_005188.4 (MANE Select); 3656 bases downstream of the stop codon, C replaced by T.
Molecular consequence: 3 prime UTR variant.
Genome position (GRCh38, 1-based): chr11:119,303,437, C>T. VCF-style: chr11-119303437-C-T. GRCh37 (hg19) VCF-style: chr11-119174147-C-T.
Identifiers: ClinVar variation 302838 (VCV000302838.5), dbSNP rs145348523, ClinGen allele CA10633663.

ClinVar aggregate classification (germline): Benign (1 of 4 stars; one submission).

Conditions:
CBL-related disorder. Also called: NOONAN SYNDROME-LIKE DISORDER WITHOUT JUVENILE MYELOMONOCYTIC LEUKEMIA; CBL MUTATION-ASSOCIATED SYNDROME; CBL SYNDROME. Identifiers: Orphanet 363972, MedGen C3150803, MONDO:0013308, OMIM 613563.

Allele frequency attached by ClinVar (database versions not stated): 1000 Genomes Project 30x 0.00047; 1000 Genomes Project 0.00080; TOPMed 0.00203; gnomAD 0.00210 and 0.00225; gnomAD exomes 0.00219.
gnomAD v4.1: 508 of 233,522 alleles (0.22%); highest among the groups gnomAD compares: Non-Finnish European, 0.36%; 1 homozygote.

Submission:

Illumina Laboratory Services, Illumina
Classification: Benign for CBL-related disorder. Last evaluated: 2018-01-13. Review status: criteria provided, single submitter. Criteria: ICSL Variant Classification Criteria 13 December 2019. Collection method: clinical testing. Allele origin: germline.
Comment: This variant was observed in the ICSL laboratory as part of a predisposition screen in an ostensibly healthy population. It had not been previously curated by ICSL or reported in the Human Gene Mutation Database (HGMD: prior to June 1st, 2018), and was therefore a candidate for classification through an automated scoring system. Utilizing variant allele frequency, disease prevalence and penetrance estimates, and inheritance mode, an automated score was calculated to assess if this variant is too frequent to cause the disease. Based on the score and internal cut-off values, a variant classified as benign is not then subjected to further curation. The score for this variant resulted in a classification of benign for this disease.